The following is an entry in ClinVar:

NM_001244008.2(KIF1A):c.2683_2688dup (p.Asp896_Ala897insSerAsp)

Gene: KIF1A (kinesin family member 1A; minus strand). Cytogenetic location: 2q37.3.
Variant type: Duplication.
Coding change: c.2683_2688dup on transcript NM_001244008.2 (MANE Select); coding-DNA positions 2683 to 2688, 6 bases duplicated (TCCGAC; older notation c.2683_2688dupTCCGAC).
Protein change: p.Asp896_Ala897insSerAsp.
Molecular consequence: inframe insertion. On other transcripts: inframe indel (1), intron variant (18).
Genome position (GRCh38, 1-based): chr2:240,757,489-240,757,494, GTCGGA duplicated on the plus strand (TCCGAC on the coding strand, the reverse complement: KIF1A is on the minus strand); duplicating any 6 consecutive bases within chr2:240,757,489-240,757,499 gives the same sequence; the c. name uses the placement nearest the transcript's 3' end. VCF-style (leftmost placement, unchanged base first): chr2-240757488-C-CGTCGGA. GRCh37 (hg19) VCF-style: chr2-241696905-C-CGTCGGA.
Other names: c.2683_2688dup6 (NM_001244008.1); c.2758_2763dup, p.Asp921_Ala922insSerAsp (NM_001379631.1); c.2632_2637dup, p.Asp879_Ala880insSerAsp (NM_001379632.1); c.2656_2661dup, p.Asp887_Ala888insSerAsp (NM_001379633.1, NM_001379642.1, NM_001379645.1); c.2555+866_2555+871dup (NM_001379653.1, NM_001379650.1, NM_001379640.1 and 6 more transcripts); c.2657+866_2657+871dup (NM_001379635.1, NM_001330290.2, NM_001379646.1 and 1 more transcripts); c.2630+866_2630+871dup (NM_001379637.1, NM_001379648.1); c.2582+866_2582+871dup (NM_001320705.2, NM_001379638.1, NM_001330289.2).
Identifiers: ClinVar variation 5001303 (VCV005001303.1).

ClinVar aggregate classification (germline): Likely pathogenic (1 of 4 stars; one submission).

Conditions:
KIF1A-related disorder. Also called: KIF1A-related disorders; KIF1A-related condition.

Submission:

PreventionGenetics, part of Exact Sciences
Classification: Likely pathogenic for KIF1A-related condition. Last evaluated: 2025-01-11. Review status: criteria provided, single submitter. Criteria: ACMG Guidelines, 2015. Collection method: clinical testing. Allele origin: germline.
Comment: The KIF1A c.2683_2688dup6 variant is predicted to result in an in-frame duplication (p.Ser895_Asp896dup). To our knowledge, this variant has not been reported in the literature or in a large population database (gnomAD), indicating this variant is rare. This variant is interpreted as likely pathogenic.